The following is an entry in ClinVar:

ClinVar aggregate classification (germline): Likely benign. Review status: criteria provided, single submitter (1 of 4 stars). 2 submissions from 2 submitters: Likely benign (1). 1 of the submissions does not count toward it. Last evaluated 2025-04-17.

Conditions:
PAX1-related disorder. Also called: PAX1-related condition.

Allele frequency attached by ClinVar (database versions not stated): TOPMed 0.00003.

Submissions (2):

Labcorp Genetics (formerly Invitae), Labcorp
Classification: Likely benign. Last evaluated: 2025-04-17. Review status: criteria provided, single submitter. Criteria: Invitae Variant Classification Sherloc (09022015). Collection method: clinical testing. Allele origin: germline.

PreventionGenetics, part of Exact Sciences
Classification: Likely benign for PAX1-related condition. Last evaluated: 2019-07-01. Review status: no assertion criteria provided. Collection method: clinical testing. Allele origin: germline. Not counted in ClinVar's aggregate classification.
Comment: This variant is classified as likely benign based on ACMG/AMP sequence variant interpretation guidelines (Richards et al. 2015 PMID: 25741868, with internal and published modifications).

NM_001257096.2(PAX1):c.975C>G (p.Gly325=)

Gene: PAX1 (paired box 1; plus strand). Cytogenetic location: 20p11.22.
Variant type: single nucleotide variant.
Coding change: c.975C>G on transcript NM_001257096.2 (MANE Select); coding-DNA position 975, C replaced by G.
Protein change: p.Gly325=; no amino-acid change (glycine 325 retained).
Molecular consequence: synonymous variant.
Genome position (GRCh38, 1-based): chr20:21,708,616, C>G. VCF-style: chr20-21708616-C-G. GRCh37 (hg19) VCF-style: chr20-21689254-C-G.
Other names: c.975C>G, p.Gly325= (NM_006192.5).
Identifiers: ClinVar variation 758590 (VCV000758590.9), dbSNP rs777132194, ClinGen allele CA313027656.
Genomic context (GRCh38, chr20:21,708,616, plus strand): 5'-AGGGGCCCTGGCTGGGAGCGAAGGCACCGCTTACTCTCCCAAGATGGAAGACTGGGCCGG[C>G]GTGAACCGCACGGCCTTCCCCGCCACCCCCGCAGTGAATGGGCTAGAGAAACCTGCCTTA-3'
Protein context (NP_001244025.1, residues 315-335): AYSPKMEDWA[Gly325=]VNRTAFPATP